The following is an entry in ClinVar:

NM_001376.5(DYNC1H1):c.3016-1G>A

Gene: DYNC1H1 (dynein cytoplasmic 1 heavy chain 1; plus strand). Cytogenetic location: 14q32.31.
Variant type: single nucleotide variant.
Coding change: c.3016-1G>A on transcript NM_001376.5 (MANE Select); the canonical splice acceptor site of the intron before coding-DNA position 3016, G replaced by A.
Molecular consequence: splice acceptor variant.
Genome position (GRCh38, 1-based): chr14:101,994,183, G>A. VCF-style: chr14-101994183-G-A. GRCh37 (hg19) VCF-style: chr14-102460520-G-A.
Identifiers: ClinVar variation 4855130 (VCV004855130.1).

ClinVar aggregate classification (germline): Likely pathogenic (1 of 4 stars; one submission).

Conditions:
DYNC1H1-related disorder. Also called: DYNC1H1-related condition; DYNC1H1-related disorders. Identifiers: MedGen CN381529.

Submission:

3billion
Classification: Likely pathogenic for DYNC1H1-related disorder. Last evaluated: 2025-10-06. Review status: criteria provided, single submitter. Criteria: ACMG Guidelines, 2015. Collection method: clinical testing. Allele origin: germline. Affected: yes.
Comment: The variant is not observed in the gnomAD v4.1.0 dataset. Predicted Consequence/Location: Canonical splice site: predicted to alter splicing and result in a loss or disruption of normal protein function. Multiple pathogenic loss-of-function variants are reported downstream of the variant. In silico tools predict the variant to alter splicing and produce an abnormal transcript [SpliceAI: 1.00 (spliceogenicity >=0.2, non-spliceogenicity <0.1)]. Therefore, this variant is classified as Likely pathogenic according to the recommendation of ACMG/AMP guideline.